The following is an entry in ClinVar:

ClinVar aggregate classification (germline): Uncertain significance (1 of 4 stars; one submission).

Conditions:
Periodic fever-infantile enterocolitis-autoinflammatory syndrome. Also called: Autoinflammation with infantile enterocolitis. Identifiers: Orphanet 436166, MedGen C4015067, MONDO:0014472, OMIM 616050.
Familial cold autoinflammatory syndrome 4 (FCAS4). Identifiers: Orphanet 47045, Orphanet 576349, MedGen C4015276, MONDO:0014498, OMIM 616115.

Submission:

Labcorp Genetics (formerly Invitae), Labcorp
Classification: Uncertain significance for Periodic fever-infantile enterocolitis-autoinflammatory syndrome; Familial cold autoinflammatory syndrome 4. Last evaluated: 2024-09-01. Review status: criteria provided, single submitter. Criteria: Invitae Variant Classification Sherloc (09022015). Collection method: clinical testing. Allele origin: germline.
Comment: This sequence change replaces phenylalanine, which is neutral and non-polar, with serine, which is neutral and polar, at codon 340 of the NLRC4 protein (p.Phe340Ser). This variant is not present in population databases (gnomAD no frequency). This variant has not been reported in the literature in individuals affected with NLRC4-related conditions. Invitae Evidence Modeling of protein sequence and biophysical properties (such as structural, functional, and spatial information, amino acid conservation, physicochemical variation, residue mobility, and thermodynamic stability) indicates that this missense variant is expected to disrupt NLRC4 protein function with a positive predictive value of 80%. In summary, the available evidence is currently insufficient to determine the role of this variant in disease. Therefore, it has been classified as a Variant of Uncertain Significance.

NM_001199138.2(NLRC4):c.1019T>C (p.Phe340Ser)

Gene: NLRC4 (NLR family CARD domain containing 4; minus strand). Cytogenetic location: 2p22.3.
Variant type: single nucleotide variant.
Coding change: c.1019T>C on transcript NM_001199138.2 (MANE Select); coding-DNA position 1019, T replaced by C.
Protein change: p.Phe340Ser; replaces phenylalanine 340 with serine.
Molecular consequence: missense variant. On other transcripts: intron variant (1).
Genome position (GRCh38, 1-based): chr2:32,250,845, A>G on the plus strand (T>C on the coding strand, the complement: NLRC4 is on the minus strand). VCF-style: chr2-32250845-A-G. GRCh37 (hg19) VCF-style: chr2-32475914-A-G.
Other names: c.1019T>C, p.Phe340Ser (NM_001199139.2, NM_021209.5); c.262+1574T>C (NM_001302504.1); short protein forms F340S.
Identifiers: ClinVar variation 3753244 (VCV003753244.2).